The following is an entry in ClinVar:

ClinVar aggregate classification (germline): Uncertain significance. Review status: criteria provided, multiple submitters, no conflicts (2 of 4 stars). 2 submissions from 2 submitters: Uncertain significance (2). Last evaluated 2025-06-06.

Conditions:
Hereditary cancer-predisposing syndrome. Also called: Tumor predisposition; Hereditary neoplastic syndrome; Neoplastic Syndromes, Hereditary; Hereditary Cancer Syndrome. Identifiers: Orphanet 140162, MedGen C0027672, MeSH D009386, MONDO:0015356.
Tuberous sclerosis 2 (TSC2). Identifiers: Orphanet 805, MedGen C1860707, MONDO:0013199, OMIM 613254.

Submissions (2):

Ambry Genetics
Classification: Uncertain significance for Hereditary cancer-predisposing syndrome. Last evaluated: 2025-06-06. Review status: criteria provided, single submitter. Criteria: Ambry Variant Classification Scheme 2023. Collection method: clinical testing. Allele origin: germline.
Comment: The p.T1247I variant (also known as c.3740C>T), located in coding exon 30 of the TSC2 gene, results from a C to T substitution at nucleotide position 3740. The threonine at codon 1247 is replaced by isoleucine, an amino acid with similar properties. This amino acid position is conserved. In addition, this alteration is predicted to be deleterious by in silico analysis. Based on the available evidence, the clinical significance of this variant remains unclear.

Labcorp Genetics (formerly Invitae), Labcorp
Classification: Uncertain significance for Tuberous sclerosis 2. Last evaluated: 2022-07-15. Review status: criteria provided, single submitter. Criteria: Invitae Variant Classification Sherloc (09022015). Collection method: clinical testing. Allele origin: germline.
Comment: In summary, the available evidence is currently insufficient to determine the role of this variant in disease. Therefore, it has been classified as a Variant of Uncertain Significance. This sequence change replaces threonine, which is neutral and polar, with isoleucine, which is neutral and non-polar, at codon 1247 of the TSC2 protein (p.Thr1247Ile). This variant is not present in population databases (gnomAD no frequency). This variant has not been reported in the literature in individuals affected with TSC2-related conditions. Advanced modeling of protein sequence and biophysical properties (such as structural, functional, and spatial information, amino acid conservation, physicochemical variation, residue mobility, and thermodynamic stability) performed at Invitae indicates that this missense variant is not expected to disrupt TSC2 protein function.

NM_000548.5(TSC2):c.3740C>T (p.Thr1247Ile)

Gene: TSC2 (TSC complex subunit 2; plus strand). Cytogenetic location: 16p13.3.
Variant type: single nucleotide variant.
Coding change: c.3740C>T on transcript NM_000548.5 (MANE Select); coding-DNA position 3740, C replaced by T.
Protein change: p.Thr1247Ile; replaces threonine 1247 with isoleucine.
Molecular consequence: missense variant.
Genome position (GRCh38, 1-based): chr16:2,081,724, C>T. VCF-style: chr16-2081724-C-T. GRCh37 (hg19) VCF-style: chr16-2131725-C-T.
Other names: c.3140C>T, p.Thr1047Ile (NM_001406682.1, NM_001406683.1, NM_001406680.1); c.3137C>T, p.Thr1046Ile (NM_001406684.1); c.3011C>T, p.Thr1004Ile (NM_001406685.1, NM_001406686.1); c.3008C>T, p.Thr1003Ile (NM_001406687.1, NM_001406688.1, NM_001318831.2); c.2396C>T, p.Thr799Ile (NM_001406689.1); c.2267C>T, p.Thr756Ile (NM_001406690.1, NM_001406692.1, NM_001406693.1 and 1 more transcripts); c.2264C>T, p.Thr755Ile (NM_001406691.1, NM_001406695.1, NM_001406696.1 and 1 more transcripts); c.3608C>T, p.Thr1203Ile (NM_001077183.3, NM_001370404.1, NM_001406665.1); and 18 more; short protein forms T1046I, T1198I, T1204I, T669I, T756I, T799I, T1050I, T1155I.
Identifiers: ClinVar variation 2031652 (VCV002031652.5), dbSNP rs2151483328, ClinGen allele CA394293010.